The following is an entry in ClinVar:

ClinVar aggregate classification (germline): Uncertain significance (1 of 4 stars; one submission).

Conditions:
Familial acute necrotizing encephalopathy (IIAE3). Also called: ENCEPHALOPATHY, ACUTE, INFECTION-INDUCED, SUSCEPTIBILITY TO, 3; Susceptibility to Acute Necrotizing Encephalopathy 1. Identifiers: Orphanet 88619, MedGen C2675556, MONDO:0011953, OMIM 608033.

Allele frequency attached by ClinVar (database versions not stated): TOPMed below 0.00001; gnomAD 0.00001.
gnomAD v4.1: 1 of 1,611,740 alleles (0.000062%); highest among the groups gnomAD compares: Non-Finnish European, 0.000085%; no homozygotes.

Submission:

Labcorp Genetics (formerly Invitae), Labcorp
Classification: Uncertain significance for Familial acute necrotizing encephalopathy. Last evaluated: 2024-02-23. Review status: criteria provided, single submitter. Criteria: Invitae Variant Classification Sherloc (09022015). Collection method: clinical testing. Allele origin: germline.
Comment: This sequence change replaces alanine, which is neutral and non-polar, with glycine, which is neutral and non-polar, at codon 655 of the RANBP2 protein (p.Ala655Gly). This variant is not present in population databases (gnomAD no frequency). This variant has not been reported in the literature in individuals affected with RANBP2-related conditions. An algorithm developed to predict the effect of missense changes on protein structure and function (PolyPhen-2) suggests that this variant is likely to be tolerated. In summary, the available evidence is currently insufficient to determine the role of this variant in disease. Therefore, it has been classified as a Variant of Uncertain Significance.

NM_006267.5(RANBP2):c.1964C>G (p.Ala655Gly)

Gene: RANBP2 (RAN binding protein 2; plus strand). Cytogenetic location: 2q13.
Variant type: single nucleotide variant.
Coding change: c.1964C>G on transcript NM_006267.5 (MANE Select); coding-DNA position 1964, C replaced by G.
Protein change: p.Ala655Gly; replaces alanine 655 with glycine.
Molecular consequence: missense variant.
Genome position (GRCh38, 1-based): chr2:108,753,472, C>G. VCF-style: chr2-108753472-C-G. GRCh37 (hg19) VCF-style: chr2-109369928-C-G.
Other names: c.1964C>G, p.Ala655Gly (NM_001415871.1, NM_001415873.1); c.1961C>G, p.Ala654Gly (NM_001415872.1); short protein forms A654G, A655G.
Identifiers: ClinVar variation 2820715 (VCV002820715.3), dbSNP rs1212204319, ClinGen allele CA348053033.
Genomic context (GRCh38, chr2:108,753,472, plus strand): 5'-TTCTGTGTGTTTAGGCATCAGAAATTGTTGAATATGAAGAAGACGCACACATAACTTTTG[C>G]TATATTGGATGCAGTAAATGGAAATATAGAAGATGCTGTGACTGCTTTTGAATCTATAAA-3'
Protein context (NP_006258.3, residues 645-665): EYEEDAHITF[Ala655Gly]ILDAVNGNIE